The following is an entry in ClinVar:

ClinVar aggregate classification (germline): Likely benign. Review status: criteria provided, multiple submitters, no conflicts (2 of 4 stars). 2 submissions from 2 submitters: Likely benign (2). Last evaluated 2025-12-29.

Conditions:
MYH7B-related disorder. Also called: MYH7B-related condition.

Allele frequency attached by ClinVar (database versions not stated): gnomAD exomes 0.00006; gnomAD 0.00009; TOPMed 0.00009; ExAC 0.00013; 1000 Genomes Project 0.00020; 1000 Genomes Project 30x 0.00031.
gnomAD v4.1: 99 of 1,609,970 alleles (0.0061%); highest among the groups gnomAD compares: South Asian, 0.063%; no homozygotes.

Submissions (2):

PreventionGenetics, part of Exact Sciences
Classification: Likely benign for MYH7B-related condition. Last evaluated: 2025-12-29. Review status: criteria provided, single submitter. Criteria: ACMG Guidelines, 2015. Collection method: clinical testing. Allele origin: germline.
Comment: This variant is classified as likely benign based on ACMG/AMP sequence variant interpretation guidelines (Richards et al. 2015 PMID: 25741868, with internal and published modifications).

Labcorp Genetics (formerly Invitae), Labcorp
Classification: Likely benign. Last evaluated: 2024-02-22. Review status: criteria provided, single submitter. Criteria: Invitae Variant Classification Sherloc (09022015). Collection method: clinical testing. Allele origin: germline.

NM_020884.7(MYH7B):c.2616G>A (p.Ala872=)

Gene: MYH7B (myosin heavy chain 7B; plus strand). Cytogenetic location: 20q11.22.
Variant type: single nucleotide variant.
Coding change: c.2616G>A on transcript NM_020884.7 (MANE Select); coding-DNA position 2616, G replaced by A.
Protein change: p.Ala872=; no amino-acid change (alanine 872 retained).
Molecular consequence: synonymous variant.
Genome position (GRCh38, 1-based): chr20:34,994,317, G>A. VCF-style: chr20-34994317-G-A. GRCh37 (hg19) VCF-style: chr20-33582120-G-A.
Other names: c.2742G>A (NM_020884.4).
Identifiers: ClinVar variation 2721477 (VCV002721477.4), dbSNP rs531028513, ClinGen allele CA9827435.